The following is an entry in ClinVar:

ClinVar aggregate classification (germline): Uncertain significance (1 of 4 stars; one submission).

Submission:

Labcorp Genetics (formerly Invitae), Labcorp
Classification: Uncertain significance. Last evaluated: 2025-09-07. Review status: criteria provided, single submitter. Criteria: Invitae Variant Classification Sherloc (09022015). Collection method: clinical testing. Allele origin: germline.
Comment: This sequence change replaces threonine, which is neutral and polar, with alanine, which is neutral and non-polar, at codon 35 of the TNFRSF6B protein (p.Thr35Ala). The frequency data for this variant in the population databases is considered unreliable, as metrics indicate poor data quality at this position in the gnomAD database. This variant has not been reported in the literature in individuals affected with TNFRSF6B-related conditions. An algorithm developed to predict the effect of missense changes on protein structure and function outputs the following: PolyPhen-2: "Possibly Damaging". The alanine amino acid residue is found in multiple mammalian species, which suggests that this missense change does not adversely affect protein function. In summary, the available evidence is currently insufficient to determine the role of this variant in disease. Therefore, it has been classified as a Variant of Uncertain Significance.

NM_003823.4(TNFRSF6B):c.103A>G (p.Thr35Ala)

Genes: RTEL1-TNFRSF6B (RTEL1-TNFRSF6B readthrough (NMD candidate); plus strand), TNFRSF6B (TNF receptor superfamily member 6b; plus strand). Cytogenetic location: 20q13.33.
Variant type: single nucleotide variant.
Coding change: c.103A>G on transcript NM_003823.4 (MANE Select); coding-DNA position 103, A replaced by G.
Protein change: p.Thr35Ala; replaces threonine 35 with alanine.
Molecular consequence: missense variant. On other transcripts: non-coding transcript variant (1).
Genome position (GRCh38, 1-based): chr20:63,696,870, A>G. VCF-style: chr20-63696870-A-G. GRCh37 (hg19) VCF-style: chr20-62328223-A-G.
Other names: short protein forms T35A.
Identifiers: ClinVar variation 4771241 (VCV004771241.1).